The following is an entry in ClinVar:

ClinVar aggregate classification (germline): Benign/Likely benign. Review status: criteria provided, multiple submitters, no conflicts (2 of 4 stars). 4 submissions from 4 submitters: Benign (1); Likely benign (3). Last evaluated 2026-07-30.

Conditions:
Hereditary cancer-predisposing syndrome. Also called: Neoplastic Syndromes, Hereditary; Tumor predisposition; Hereditary Cancer Syndrome; Hereditary neoplastic syndrome. Identifiers: Orphanet 140162, MedGen C0027672, MeSH D009386, MONDO:0015356.
Hereditary pheochromocytoma and paraganglioma. Also called: Hereditary paragangliomas and pheochromocytomas; Hereditary Paraganglioma-Pheochromocytoma Syndromes; Hereditary pheochromocytoma-paraganglioma. Identifiers: Orphanet 29072, MedGen C4274332, MONDO:0017366.
TMEM127-related disorder. Also called: TMEM127-related condition.

Allele frequency attached by ClinVar (database versions not stated): gnomAD exomes below 0.00001.
gnomAD v4.1: 1 of 1,614,102 alleles (0.000062%); highest among the groups gnomAD compares: Non-Finnish European, 0.000085%; no homozygotes.

Submissions (4):

Myriad Genetics, Inc.
Classification: Benign for Hereditary pheochromocytoma and paraganglioma. Last evaluated: 2026-07-30. Review status: criteria provided, single submitter. Criteria: Myriad Autosomal Dominant, Autosomal Recessive and X-Linked Classification Criteria (2023). Collection method: clinical testing. Allele origin: unknown.
Comment: This variant is considered benign. This variant is a silent/synonymous amino acid change and it is not expected to impact splicing.

PreventionGenetics, part of Exact Sciences
Classification: Likely benign for TMEM127-related condition. Last evaluated: 2026-02-07. Review status: criteria provided, single submitter. Criteria: ACMG Guidelines, 2015. Collection method: clinical testing. Allele origin: germline.
Comment: This variant is classified as likely benign based on ACMG/AMP sequence variant interpretation guidelines (Richards et al. 2015 PMID: 25741868, with internal and published modifications).

Labcorp Genetics (formerly Invitae), Labcorp
Classification: Likely benign for Hereditary pheochromocytoma and paraganglioma. Last evaluated: 2025-12-13. Review status: criteria provided, single submitter. Criteria: Invitae Variant Classification Sherloc (09022015). Collection method: clinical testing. Allele origin: germline.

Ambry Genetics
Classification: Likely benign for Hereditary cancer-predisposing syndrome. Last evaluated: 2022-03-14. Review status: criteria provided, single submitter. Criteria: Ambry Variant Classification Scheme 2023. Collection method: clinical testing. Allele origin: germline.

NM_017849.4(TMEM127):c.555A>C (p.Gly185=)

Gene: TMEM127 (transmembrane protein 127; minus strand). Cytogenetic location: 2q11.2.
Variant type: single nucleotide variant.
Coding change: c.555A>C on transcript NM_017849.4 (MANE Select); coding-DNA position 555, A replaced by C.
Protein change: p.Gly185=; no amino-acid change (glycine 185 retained).
Molecular consequence: synonymous variant.
Genome position (GRCh38, 1-based): chr2:96,253,970, T>G on the plus strand (A>C on the coding strand, the complement: TMEM127 is on the minus strand). VCF-style: chr2-96253970-T-G. GRCh37 (hg19) VCF-style: chr2-96919708-T-G.
Other names: c.555A>C, p.Gly185= (NM_001193304.3).
Identifiers: ClinVar variation 1559780 (VCV001559780.12), dbSNP rs2104284151, ClinGen allele CA427807991.